The following is an entry in ClinVar:

ClinVar aggregate classification (germline): Uncertain significance (1 of 4 stars; one submission).

Conditions:
Familial adenomatous polyposis 1 (FAP1). Also called: POLYPOSIS, ADENOMATOUS INTESTINAL; FAMILIAL ADENOMATOUS POLYPOSIS 1, ATTENUATED. Identifiers: MedGen C2713442, MONDO:0021056, OMIM 175100. Disease mechanism: loss of function.

Submission:

Labcorp Genetics (formerly Invitae), Labcorp
Classification: Uncertain significance for Familial adenomatous polyposis 1. Last evaluated: 2025-09-07. Review status: criteria provided, single submitter. Criteria: Invitae Variant Classification Sherloc (09022015). Collection method: clinical testing. Allele origin: germline.
Comment: This sequence change replaces alanine, which is neutral and non-polar, with glutamic acid, which is acidic and polar, at codon 614 of the APC protein (p.Ala614Glu). This variant is not present in population databases (gnomAD no frequency). This variant has not been reported in the literature in individuals affected with APC-related conditions. ClinVar contains an entry for this variant (Variation ID: 1380208). Invitae Evidence Modeling of protein sequence and biophysical properties (such as structural, functional, and spatial information, amino acid conservation, physicochemical variation, residue mobility, and thermodynamic stability) indicates that this missense variant is not expected to disrupt APC protein function with a negative predictive value of 95%. In summary, the available evidence is currently insufficient to determine the role of this variant in disease. Therefore, it has been classified as a Variant of Uncertain Significance.

NM_000038.6(APC):c.1841C>A (p.Ala614Glu)

Gene: APC (APC regulator of Wnt signaling pathway; plus strand). Cytogenetic location: 5q22.2.
Variant type: single nucleotide variant.
Coding change: c.1841C>A on transcript NM_000038.6 (MANE Select); coding-DNA position 1841, C replaced by A.
Protein change: p.Ala614Glu; replaces alanine 614 with glutamic acid.
Molecular consequence: missense variant.
Genome position (GRCh38, 1-based): chr5:112,835,048, C>A. VCF-style: chr5-112835048-C-A. GRCh37 (hg19) VCF-style: chr5-112170745-C-A.
Other names: c.1841C>A, p.Ala614Glu (NM_001127510.3, NM_001354895.2); c.1787C>A, p.Ala596Glu (NM_001127511.3); c.1895C>A, p.Ala632Glu (NM_001354896.2); c.1871C>A, p.Ala624Glu (NM_001354897.2); c.1766C>A, p.Ala589Glu (NM_001354898.2); c.1757C>A, p.Ala586Glu (NM_001354899.2); c.1718C>A, p.Ala573Glu (NM_001354900.2); c.1664C>A, p.Ala555Glu (NM_001354901.2); and 5 more; short protein forms A331E, A454E, A488E, A523E, A555E, A614E, A632E, A573E.
Identifiers: ClinVar variation 1380208 (VCV001380208.6), dbSNP rs1161113466, ClinGen allele CA16025348.